The following is an entry in ClinVar:

ClinVar aggregate classification (germline): Uncertain significance (1 of 4 stars; one submission).

Conditions:
Inborn genetic diseases. Identifiers: MedGen C0950123, MeSH D030342.

Allele frequency attached by ClinVar (database versions not stated): TOPMed below 0.00001; gnomAD exomes 0.00001.
gnomAD v4.1: 12 of 1,613,900 alleles (0.00074%); highest among the groups gnomAD compares: Non-Finnish European, 0.001%; no homozygotes.

Submission:

Ambry Genetics
Classification: Uncertain significance for Inborn genetic diseases. Last evaluated: 2021-06-30. Review status: criteria provided, single submitter. Criteria: Ambry Variant Classification Scheme 2023. Collection method: clinical testing. Allele origin: germline.
Comment: The p.S272L variant (also known as c.815C>T), located in coding exon 4 of the ATR gene, results from a C to T substitution at nucleotide position 815. The serine at codon 272 is replaced by leucine, an amino acid with dissimilar properties. This amino acid position is conserved. In addition, this alteration is predicted to be tolerated by in silico analysis. Since supporting evidence is limited at this time, the clinical significance of this alteration remains unclear.

NM_001184.4(ATR):c.815C>T (p.Ser272Leu)

Gene: ATR (ATR checkpoint kinase; minus strand). Cytogenetic location: 3q23.
Variant type: single nucleotide variant.
Coding change: c.815C>T on transcript NM_001184.4 (MANE Select); coding-DNA position 815, C replaced by T.
Protein change: p.Ser272Leu; replaces serine 272 with leucine.
Molecular consequence: missense variant.
Genome position (GRCh38, 1-based): chr3:142,562,587, G>A on the plus strand (C>T on the coding strand, the complement: ATR is on the minus strand). VCF-style: chr3-142562587-G-A. GRCh37 (hg19) VCF-style: chr3-142281429-G-A.
Other names: c.815C>T, p.Ser272Leu (NM_001354579.2); short protein forms S272L.
Identifiers: ClinVar variation 1762213 (VCV001762213.2), dbSNP rs1406216731, ClinGen allele CA354825413.